The following is an entry in ClinVar:

ClinVar aggregate classification (germline): Uncertain significance (1 of 4 stars; one submission).

gnomAD v4.1: 19 of 1,518,006 alleles (0.0013%); highest among the groups gnomAD compares: South Asian, 0.023%; no homozygotes.

Submission:

Labcorp Genetics (formerly Invitae), Labcorp
Classification: Uncertain significance. Last evaluated: 2025-12-25. Review status: criteria provided, single submitter. Criteria: Invitae Variant Classification Sherloc (09022015). Collection method: clinical testing. Allele origin: germline.
Comment: This sequence change replaces serine, which is neutral and polar, with phenylalanine, which is neutral and non-polar, at codon 9 of the IL17RD protein (p.Ser9Phe). This variant is present in population databases (rs761812284, gnomAD 0.02%). This variant has not been reported in the literature in individuals affected with IL17RD-related conditions. An algorithm developed to predict the effect of missense changes on protein structure and function (PolyPhen-2) suggests that this variant is likely to be tolerated. In summary, the available evidence is currently insufficient to determine the role of this variant in disease. Therefore, it has been classified as a Variant of Uncertain Significance.

NM_017563.5(IL17RD):c.26C>T (p.Ser9Phe)

Genes: IL17RD (interleukin 17 receptor D; minus strand), LOC129936924 (ATAC-STARR-seq lymphoblastoid silent region 14478; plus strand). Cytogenetic location: 3p14.3.
Variant type: single nucleotide variant.
Coding change: c.26C>T on transcript NM_017563.5 (MANE Select); coding-DNA position 26, C replaced by T.
Protein change: p.Ser9Phe; replaces serine 9 with phenylalanine.
Molecular consequence: missense variant. On other transcripts: intron variant (1).
Genome position (GRCh38, 1-based): chr3:57,165,261, G>A on the plus strand (C>T on the coding strand, the complement: IL17RD is on the minus strand). VCF-style: chr3-57165261-G-A. GRCh37 (hg19) VCF-style: chr3-57199289-G-A.
Other names: c.-307+3971C>T (NM_001318864.2); short protein forms S9F.
Identifiers: ClinVar variation 4761961 (VCV004761961.1).
Genomic context (GRCh38, chr3:57,165,261, plus strand): 5'-CCGCCAGCGGCCACAGCCAGCTGCGAGCCGTTGAGGCAGGCGTTGACCGTAAAGAAGACG[G>A]AGCAGAGCTGCAGCCACGGGGCCATGGCCGTGCGCTCGCCCAGCCAGGCCGTTCTCTGCG-3'
Protein context (NP_060033.3, residues 1-19): MAPWLQLC[Ser9Phe]VFFTVNACLN